The following is an entry in ClinVar:

NM_014026.6(DCPS):c.861C>T (p.Ala287=)

Genes: DCPS (decapping enzyme, scavenger; plus strand), GSEC (G-quadruplex forming sequence containing lncRNA; minus strand). Cytogenetic location: 11q24.2.
Variant type: single nucleotide variant.
Coding change: c.861C>T on transcript NM_014026.6 (MANE Select); coding-DNA position 861, C replaced by T.
Protein change: p.Ala287=; no amino-acid change (alanine 287 retained).
Molecular consequence: synonymous variant.
Genome position (GRCh38, 1-based): chr11:126,345,460, C>T. VCF-style: chr11-126345460-C-T. GRCh37 (hg19) VCF-style: chr11-126215355-C-T.
Other names: c.882C>T, p.Ala294= (NM_001350236.2).
Identifiers: ClinVar variation 2642534 (VCV002642534.24), dbSNP rs768778965, ClinGen allele CA6355174.

ClinVar aggregate classification (germline): Likely benign (1 of 4 stars; one submission).

Allele frequency attached by ClinVar (database versions not stated): ExAC 0.00007; TOPMed 0.00008; gnomAD 0.00009; gnomAD exomes 0.00022; 1000 Genomes Project 30x 0.00031.
gnomAD v4.1: 345 of 1,614,146 alleles (0.021%); highest among the groups gnomAD compares: Non-Finnish European, 0.028%; no homozygotes.

Submission:

CeGaT Center for Human Genetics Tuebingen
Classification: Likely benign. Last evaluated: 2022-05-01. Review status: criteria provided, single submitter. Criteria: CeGaT Center For Human Genetics Tuebingen Variant Classification Criteria Version 2. Collection method: clinical testing. Allele origin: germline. Affected: yes. Observed: 1 variant allele.
Comment: DCPS: BP4, BP7